The following is an entry in ClinVar:

ClinVar aggregate classification (germline): Uncertain significance. Review status: criteria provided, multiple submitters, no conflicts (2 of 4 stars). 3 submissions from 3 submitters: Uncertain significance (2). 1 of the submissions does not count toward it. Last evaluated 2022-10-03.

Conditions:
Renal carnitine transport defect (CDSP). Also called: Systemic primary carnitine deficiency disease; Primary carnitine deficiency; CARNITINE DEFICIENCY, SYSTEMIC, DUE TO DEFECT IN RENAL REABSORPTION OF CARNITINE; CARNITINE TRANSPORTER, PLASMA-MEMBRANE, DEFICIENCY OF; CARNITINE UPTAKE DEFECT; Carnitine transporter deficiency. Identifiers: Orphanet 158, MedGen C0342788, MONDO:0008919, OMIM 212140.

Allele frequency attached by ClinVar (database versions not stated): gnomAD 0.00001; gnomAD exomes 0.00001 and 0.00002; ExAC 0.00002.
gnomAD v4.1: 24 of 1,611,616 alleles (0.0015%); highest among the groups gnomAD compares: Non-Finnish European, 0.0017%; no homozygotes.

Submissions (3):

Giacomini Lab, University of California, San Francisco
Classification: Uncertain significance for Renal carnitine transport defect. Last evaluated: 2022-10-03. Review status: criteria provided, single submitter. Criteria: ACMG Guidelines, 2015. Collection method: research, in vitro. Allele origin: germline, not applicable.

Labcorp Genetics (formerly Invitae), Labcorp
Classification: Uncertain significance for Renal carnitine transport defect. Last evaluated: 2021-08-31. Review status: criteria provided, single submitter. Criteria: Invitae Variant Classification Sherloc (09022015). Collection method: clinical testing. Allele origin: germline.
Comment: This sequence change replaces leucine with valine at codon 321 of the SLC22A5 protein (p.Leu321Val). The leucine residue is moderately conserved and there is a small physicochemical difference between leucine and valine. This variant is present in population databases (rs761264590, ExAC 0.003%). This variant has not been reported in the literature in individuals affected with SLC22A5-related conditions. Algorithms developed to predict the effect of missense changes on protein structure and function (SIFT, PolyPhen-2, Align-GVGD) all suggest that this variant is likely to be tolerated. Algorithms developed to predict the effect of sequence changes on RNA splicing suggest that this variant may create or strengthen a splice site. In summary, the available evidence is currently insufficient to determine the role of this variant in disease. Therefore, it has been classified as a Variant of Uncertain Significance.

Natera, Inc.
Classification: Uncertain significance for Primary systemic carnitine deficiency. Last evaluated: 2020-09-16. Review status: no assertion criteria provided. Collection method: clinical testing. Allele origin: germline. Not counted in ClinVar's aggregate classification.

NM_003060.4(SLC22A5):c.961C>G (p.Leu321Val)

Gene: SLC22A5 (solute carrier family 22 member 5; plus strand). Cytogenetic location: 5q31.1.
Variant type: single nucleotide variant.
Coding change: c.961C>G on transcript NM_003060.4 (MANE Select); coding-DNA position 961, C replaced by G.
Protein change: p.Leu321Val; replaces leucine 321 with valine.
Molecular consequence: missense variant.
Genome position (GRCh38, 1-based): chr5:132,388,930, C>G. VCF-style: chr5-132388930-C-G. GRCh37 (hg19) VCF-style: chr5-131724622-C-G.
Other names: p.Leu321Val; c.1033C>G, p.Leu345Val (NM_001308122.2); short protein forms L321V, L345V.
Identifiers: ClinVar variation 859217 (VCV000859217.10), dbSNP rs761264590, ClinGen allele CA3404036.